The following is an entry in ClinVar:

NM_001429.4(EP300):c.610A>G (p.Asn204Asp)

Gene: EP300 (E1A binding protein p300; plus strand). Cytogenetic location: 22q13.2.
Variant type: single nucleotide variant.
Coding change: c.610A>G on transcript NM_001429.4 (MANE Select); coding-DNA position 610, A replaced by G.
Protein change: p.Asn204Asp; replaces asparagine 204 with aspartic acid.
Molecular consequence: missense variant.
Genome position (GRCh38, 1-based): chr22:41,117,702, A>G. VCF-style: chr22-41117702-A-G. GRCh37 (hg19) VCF-style: chr22-41513706-A-G.
Other names: c.610A>G, p.Asn204Asp (NM_001362843.2); short protein forms N204D.
Identifiers: ClinVar variation 3351027 (VCV003351027.1).

ClinVar aggregate classification (germline): Uncertain significance (0 of 4 stars; one submission).

Conditions:
EP300-related disorder. Also called: EP300-related disorders; EP300-related condition.

gnomAD v4.1: 71 of 1,614,112 alleles (0.0044%); highest among the groups gnomAD compares: Non-Finnish European, 0.0059%; no homozygotes.

Submission:

PreventionGenetics, part of Exact Sciences
Classification: Uncertain significance for EP300-related condition. Last evaluated: 2024-07-24. Review status: no assertion criteria provided. Collection method: clinical testing. Allele origin: germline.
Comment: The EP300 c.610A>G variant is predicted to result in the amino acid substitution p.Asn204Asp. To our knowledge, this variant has not been reported in the literature or in a large population database, indicating this variant is rare. At this time, the clinical significance of this variant is uncertain due to the absence of conclusive functional and genetic evidence.